The following is an entry in ClinVar:

NM_001199753.2(CPT1C):c.1453A>G (p.Thr485Ala)

Gene: CPT1C (carnitine palmitoyltransferase 1C; plus strand). Cytogenetic location: 19q13.33.
Variant type: single nucleotide variant.
Coding change: c.1453A>G on transcript NM_001199753.2 (MANE Select); coding-DNA position 1453, A replaced by G.
Protein change: p.Thr485Ala; replaces threonine 485 with alanine.
Molecular consequence: missense variant. On other transcripts: non-coding transcript variant (1).
Genome position (GRCh38, 1-based): chr19:49,708,726, A>G. VCF-style: chr19-49708726-A-G. GRCh37 (hg19) VCF-style: chr19-50211983-A-G.
Other names: c.1453A>G (NM_001199752.1); c.1453A>G, p.Thr485Ala (NM_001378483.1, NM_001378484.1, NM_001378486.1 and 3 more transcripts); c.1420A>G, p.Thr474Ala (NM_001378485.1, NM_001378487.1, NM_001136052.3); c.1519A>G, p.Thr507Ala (NM_001378482.1); short protein forms T474A, T507A, T485A.
Identifiers: ClinVar variation 3708575 (VCV003708575.3).

ClinVar aggregate classification (germline): Uncertain significance. Review status: criteria provided, multiple submitters, no conflicts (2 of 4 stars). 2 submissions from 2 submitters: Uncertain significance (2). Last evaluated 2025-06-29.

Conditions:
Hereditary spastic paraplegia 73. Also called: Spastic paraplegia 73, autosomal dominant. Identifiers: Orphanet 444099, MedGen C5568981, MONDO:0014568, OMIM 616282.

gnomAD v4.1: 1 of 1,612,690 alleles (0.000062%); highest among the groups gnomAD compares: Middle Eastern, 0.016%; no homozygotes.

Submissions (2):

Ambry Genetics
Classification: Uncertain significance. Last evaluated: 2025-06-29. Review status: criteria provided, single submitter. Criteria: Ambry Variant Classification Scheme 2023. Collection method: clinical testing. Allele origin: germline.

Labcorp Genetics (formerly Invitae), Labcorp
Classification: Uncertain significance for Hereditary spastic paraplegia 73. Last evaluated: 2025-01-13. Review status: criteria provided, single submitter. Criteria: Invitae Variant Classification Sherloc (09022015). Collection method: clinical testing. Allele origin: germline.
Comment: This sequence change replaces threonine, which is neutral and polar, with alanine, which is neutral and non-polar, at codon 474 of the CPT1C protein (p.Thr474Ala). This variant is not present in population databases (gnomAD no frequency). This variant has not been reported in the literature in individuals affected with CPT1C-related conditions. Invitae Evidence Modeling of protein sequence and biophysical properties (such as structural, functional, and spatial information, amino acid conservation, physicochemical variation, residue mobility, and thermodynamic stability) indicates that this missense variant is not expected to disrupt CPT1C protein function with a negative predictive value of 80%. In summary, the available evidence is currently insufficient to determine the role of this variant in disease. Therefore, it has been classified as a Variant of Uncertain Significance.